The following is an entry in ClinVar:

ClinVar aggregate classification (germline): Benign/Likely benign. Review status: criteria provided, multiple submitters, no conflicts (2 of 4 stars). 5 submissions from 4 submitters: Benign (3); Likely benign (2). Last evaluated 2026-01-05.

Conditions:
Inborn genetic diseases. Identifiers: MedGen C0950123, MeSH D030342.
Neuropathy, hereditary sensory, type 1D. Identifiers: Orphanet 36386, MedGen C3150972, MONDO:0013381, OMIM 613708.
Hereditary spastic paraplegia 3A (SPG3A). Also called: SPASTIC PARAPLEGIA 3, AUTOSOMAL DOMINANT; FAMILIAL SPASTIC PARAPLEGIA, AUTOSOMAL DOMINANT, 1; SPG3; STRUMPELL DISEASE; Spastic Paraplegia 3A; Spastic paraplegia 3A, autosomal dominant. Identifiers: Orphanet 100984, MedGen C2931355, MONDO:0008437, OMIM 182600.

Allele frequency attached by ClinVar (database versions not stated): gnomAD 0.00010 and 0.00013; TOPMed 0.00018; 1000 Genomes Project 30x 0.00031; 1000 Genomes Project 0.00040.
gnomAD v4.1: 138 of 1,613,834 alleles (0.0086%); highest among the groups gnomAD compares: East Asian, 0.23%; no homozygotes.

Submissions (5):

Labcorp Genetics (formerly Invitae), Labcorp
Classification: Likely benign for Hereditary spastic paraplegia 3A. Last evaluated: 2026-01-05. Review status: criteria provided, single submitter. Criteria: Invitae Variant Classification Sherloc (09022015). Collection method: clinical testing. Allele origin: germline.

Genome-Nilou Lab
Classification: Benign for Neuropathy, hereditary sensory, type 1D. Last evaluated: 2021-12-05. Review status: criteria provided, single submitter. Criteria: ACMG Guidelines, 2015. Collection method: clinical testing. Allele origin: germline. Affected: no.

Genome-Nilou Lab
Classification: Benign for Hereditary spastic paraplegia 3A. Last evaluated: 2021-12-05. Review status: criteria provided, single submitter. Criteria: ACMG Guidelines, 2015. Collection method: clinical testing. Allele origin: germline. Affected: no.

Ambry Genetics
Classification: Likely benign for Inborn genetic diseases. Last evaluated: 2020-01-29. Review status: criteria provided, single submitter. Criteria: Ambry Variant Classification Scheme 2023. Collection method: clinical testing. Allele origin: germline.

GeneDx
Classification: Benign. Last evaluated: 2019-06-04. Review status: criteria provided, single submitter. Criteria: GeneDx Variant Classification Process June 2021. Collection method: clinical testing. Allele origin: germline. Affected: yes.
Comment: This variant is associated with the following publications: (PMID: 28160950)

NM_015915.5(ATL1):c.306C>A (p.Asp102Glu)

Gene: ATL1 (atlastin GTPase 1; plus strand). Cytogenetic location: 14q22.1.
Variant type: single nucleotide variant.
Coding change: c.306C>A on transcript NM_015915.5 (MANE Select); coding-DNA position 306, C replaced by A.
Protein change: p.Asp102Glu; replaces aspartic acid 102 with glutamic acid.
Molecular consequence: missense variant.
Genome position (GRCh38, 1-based): chr14:50,590,964, C>A. VCF-style: chr14-50590964-C-A. GRCh37 (hg19) VCF-style: chr14-51057682-C-A.
Other names: c.306C>A, p.Asp102Glu (NM_001127713.1, NM_181598.4); short protein forms D102E.
Identifiers: ClinVar variation 538585 (VCV000538585.17), dbSNP rs145204580, ClinGen allele CA7180210.